The following is an entry in ClinVar:

NM_001134831.2(AHI1):c.1052G>A (p.Arg351Gln)

Gene: AHI1 (Abelson helper integration site 1; minus strand). Cytogenetic location: 6q23.3.
Variant type: single nucleotide variant.
Coding change: c.1052G>A on transcript NM_001134831.2 (MANE Select); coding-DNA position 1052, G replaced by A.
Protein change: p.Arg351Gln; replaces arginine 351 with glutamine.
Molecular consequence: missense variant.
Genome position (GRCh38, 1-based): chr6:135,457,593, C>T on the plus strand (G>A on the coding strand, the complement: AHI1 is on the minus strand). VCF-style: chr6-135457593-C-T. GRCh37 (hg19) VCF-style: chr6-135778731-C-T.
Other names: c.1052G>A, p.Arg351Gln (NM_001134830.2, NM_001134832.2, NM_001350503.2 and 2 more transcripts); short protein forms R351Q.
Identifiers: ClinVar variation 690389 (VCV000690389.14), dbSNP rs397514726, ClinGen allele CA4012679.

ClinVar aggregate classification (germline): Uncertain significance. Review status: criteria provided, multiple submitters, no conflicts (2 of 4 stars). 5 submissions from 5 submitters: Uncertain significance (5). Last evaluated 2024-06-10.

Conditions:
Joubert syndrome 3 (JBTS3). Also called: AHI1-related Ciliopathy. Identifiers: Orphanet 220493, MedGen C1837713, MONDO:0012078, OMIM 608629.
Joubert syndrome. Also called: Familial aplasia of the vermis; JOUBERT-BOLTSHAUSER SYNDROME. Identifiers: Orphanet 475, MedGen C5979921, MONDO:0018772.

Allele frequency attached by ClinVar (database versions not stated): gnomAD below 0.00001 and 0.00002; TOPMed 0.00002; ExAC 0.00003; gnomAD exomes 0.00003 and 0.00004.
gnomAD v4.1: 55 of 1,613,810 alleles (0.0034%); highest among the groups gnomAD compares: South Asian, 0.033%; no homozygotes.

Submissions (5):

Fulgent Genetics
Classification: Uncertain significance for Joubert syndrome 3. Last evaluated: 2024-06-10. Review status: criteria provided, single submitter. Criteria: ACMG Guidelines, 2015. Collection method: clinical testing. Allele origin: germline.

Labcorp Genetics (formerly Invitae), Labcorp
Classification: Uncertain significance for Joubert syndrome. Last evaluated: 2022-08-08. Review status: criteria provided, single submitter. Criteria: Invitae Variant Classification Sherloc (09022015). Collection method: clinical testing. Allele origin: germline.
Comment: This sequence change replaces arginine, which is basic and polar, with glutamine, which is neutral and polar, at codon 351 of the AHI1 protein (p.Arg351Gln). This variant is present in population databases (rs397514726, gnomAD 0.03%). This variant has not been reported in the literature in individuals affected with AHI1-related conditions. ClinVar contains an entry for this variant (Variation ID: 690389). Advanced modeling of protein sequence and biophysical properties (such as structural, functional, and spatial information, amino acid conservation, physicochemical variation, residue mobility, and thermodynamic stability) performed at Invitae indicates that this missense variant is expected to disrupt AHI1 protein function. In summary, the available evidence is currently insufficient to determine the role of this variant in disease. Therefore, it has been classified as a Variant of Uncertain Significance.

Blueprint Genetics
Classification: Uncertain significance. Last evaluated: 2021-09-23. Review status: criteria provided, single submitter. Criteria: ACMG Guidelines, 2015. Collection method: clinical testing. Allele origin: germline.

HudsonAlpha Institute for Biotechnology
Classification: Uncertain significance for Joubert syndrome 3. Last evaluated: 2019-01-08. Review status: criteria provided, single submitter. Criteria: ACMG Guidelines, 2015. Collection method: research. Allele origin: paternal. Affected: yes. Observed: 1 variant allele. Study: HudsonAlpha-AGHI-WGS.

Illumina Laboratory Services, Illumina
Classification: Uncertain significance for Joubert syndrome 3. Last evaluated: 2018-03-30. Review status: criteria provided, single submitter. Criteria: ICSL Variant Classification Criteria 13 December 2019. Collection method: clinical testing. Allele origin: germline.